The following is an entry in ClinVar:

ClinVar aggregate classification (germline): Likely benign (1 of 4 stars; one submission).

Submission:

CeGaT Center for Human Genetics Tuebingen
Classification: Likely benign. Last evaluated: 2022-09-01. Review status: criteria provided, single submitter. Criteria: CeGaT Center For Human Genetics Tuebingen Variant Classification Criteria Version 2. Collection method: clinical testing. Allele origin: germline. Affected: yes. Observed: 1 variant allele.
Comment: SHANK3: PM2:Supporting, BP4, BP7

NM_001372044.2(SHANK3):c.3033C>G (p.Ala1011=)

Gene: SHANK3 (SH3 and multiple ankyrin repeat domains 3; plus strand). Cytogenetic location: 22q13.33.
Variant type: single nucleotide variant.
Coding change: c.3033C>G on transcript NM_001372044.2 (MANE Select); coding-DNA position 3033, C replaced by G.
Protein change: p.Ala1011=; no amino-acid change (alanine 1011 retained).
Molecular consequence: synonymous variant.
Genome position (GRCh38, 1-based): chr22:50,720,641, C>G. VCF-style: chr22-50720641-C-G. GRCh37 (hg19) VCF-style: chr22-51159069-C-G.
Other names: c.2808C>G, p.Ala936= (NM_033517.1).
Identifiers: ClinVar variation 2653423 (VCV002653423.24), dbSNP rs2518425883, ClinGen allele CA515259860.
Genomic context (GRCh38, chr22:50,720,641, plus strand): 5'-GCGACCCAAGCGCCGGCCGCGGCCGCCCGGCCCCGACAGCCCCTACGCCAACCTGGGCGC[C>G]TTCAGCGCCAGCCTCTTCGCTCCGTCCAAGCCGCAGCGCCGCAAGAGCCCCCTGGTGAAG-3'
Protein context (NP_001358973.1, residues 1001-1021): GPDSPYANLG[Ala1011=]FSASLFAPSK